The following is an entry in ClinVar:

NM_000482.4(APOA4):c.619G>A (p.Glu207Lys)

Gene: APOA4 (apolipoprotein A4; minus strand). Cytogenetic location: 11q23.3.
Variant type: single nucleotide variant.
Coding change: c.619G>A on transcript NM_000482.4 (MANE Select); coding-DNA position 619, G replaced by A.
Protein change: p.Glu207Lys; replaces glutamic acid 207 with lysine.
Molecular consequence: missense variant.
Genome position (GRCh38, 1-based): chr11:116,821,439, C>T on the plus strand (G>A on the coding strand, the complement: APOA4 is on the minus strand). VCF-style: chr11-116821439-C-T. GRCh37 (hg19) VCF-style: chr11-116692155-C-T.
Other names: short protein forms E207K.
Identifiers: ClinVar variation 1901380 (VCV001901380.5), dbSNP rs145184607, ClinGen allele CA6289359.
Genomic context (GRCh38, chr11:116,821,439, plus strand): 5'-CATAGGGAGCCAGGCTGCGGCGCAGCTCCTCCACGGTCTGGTCAATCTTGACTTTGAATT[C>T]GTCAGCGTAGGGCGTAAGGCGTCCCTTGAGCTCCTCCACGTTCTGGTCGATCTTGGCCTT-3'
Protein context (NP_000473.2, residues 197-217): LKGRLTPYAD[Glu207Lys]FKVKIDQTVE

ClinVar aggregate classification (germline): Uncertain significance (1 of 4 stars; one submission).

Allele frequency attached by ClinVar (database versions not stated): gnomAD 0.00002; ExAC 0.00004; gnomAD exomes 0.00004; TOPMed 0.00005; ESP Exome Variant Server 0.00008; 1000 Genomes Project 0.00020; 1000 Genomes Project 30x 0.00031.

Submission:

Labcorp Genetics (formerly Invitae), Labcorp
Classification: Uncertain significance. Last evaluated: 2022-08-23. Review status: criteria provided, single submitter. Criteria: Invitae Variant Classification Sherloc (09022015). Collection method: clinical testing. Allele origin: germline.
Comment: In summary, the available evidence is currently insufficient to determine the role of this variant in disease. Therefore, it has been classified as a Variant of Uncertain Significance. Algorithms developed to predict the effect of missense changes on protein structure and function (SIFT, PolyPhen-2, Align-GVGD) all suggest that this variant is likely to be tolerated. This variant has not been reported in the literature in individuals affected with APOA4-related conditions. This variant is present in population databases (rs145184607, gnomAD 0.009%). This sequence change replaces glutamic acid, which is acidic and polar, with lysine, which is basic and polar, at codon 207 of the APOA4 protein (p.Glu207Lys).